The following is an entry in ClinVar:

ClinVar aggregate classification (germline): Uncertain significance. Review status: criteria provided, multiple submitters, no conflicts (2 of 4 stars). 4 submissions from 4 submitters: Uncertain significance (4). Last evaluated 2025-04-26.

Conditions:
Colorectal cancer, susceptibility to, 1. Also called: COLORECTAL ADENOMA AND CANCER, SUSCEPTIBILITY TO; COLORECTAL CANCER, SUSCEPTIBILITY TO, ON CHROMOSOME 9. Identifiers: MedGen C1837315, MONDO:0012132, OMIM 608812.

Allele frequency attached by ClinVar (database versions not stated): gnomAD exomes 0.00002; gnomAD 0.00004; TOPMed 0.00005.
gnomAD v4.1: 36 of 1,614,020 alleles (0.0022%); highest among the groups gnomAD compares: African/African-American, 0.0053%; no homozygotes.

Submissions (4):

Labcorp Genetics (formerly Invitae), Labcorp
Classification: Uncertain significance. Last evaluated: 2025-04-26. Review status: criteria provided, single submitter. Criteria: Invitae Variant Classification Sherloc (09022015). Collection method: clinical testing. Allele origin: germline.
Comment: This sequence change replaces arginine, which is basic and polar, with histidine, which is basic and polar, at codon 373 of the GALNT12 protein (p.Arg373His). This variant is present in population databases (no rsID available, gnomAD 0.02%). This missense change has been observed in individual(s) with colon cancer (PMID: 19617566). ClinVar contains an entry for this variant (Variation ID: 822212). Invitae Evidence Modeling of protein sequence and biophysical properties (such as structural, functional, and spatial information, amino acid conservation, physicochemical variation, residue mobility, and thermodynamic stability) indicates that this missense variant is not expected to disrupt GALNT12 protein function with a negative predictive value of 80%. Experimental studies have shown that this missense change affects GALNT12 function (PMID: 19617566). In summary, the available evidence is currently insufficient to determine the role of this variant in disease. Therefore, it has been classified as a Variant of Uncertain Significance.

Ambry Genetics
Classification: Uncertain significance. Last evaluated: 2025-03-10. Review status: criteria provided, single submitter. Criteria: Ambry Variant Classification Scheme 2023. Collection method: clinical testing. Allele origin: germline.
Comment: The p.R373H variant (also known as c.1118G>A), located in coding exon 6 of the GALNT12 gene, results from a G to A substitution at nucleotide position 1118. The arginine at codon 373 is replaced by histidine, an amino acid with highly similar properties. This amino acid position is highly conserved in available vertebrate species. In addition, this alteration is predicted to be deleterious by in silico analysis. The evidence for this gene-disease relationship is limited; therefore, the clinical significance of this alteration is unclear.

Quest Diagnostics Nichols Institute San Juan Capistrano
Classification: Uncertain significance. Last evaluated: 2024-05-15. Review status: criteria provided, single submitter. Criteria: Quest Diagnostics criteria. Collection method: clinical testing. Allele origin: unknown.
Comment: The GALNT12 c.1118G>A (p.Arg373His) variant has been reported in an individual with colon cancer (PMID: 19617566 (2009)). Experimental studies have shown this variant reduced GALNT12 activity in vitro (PMIDs: 31548401 (2019), 19617566 (2009)), however, a loss of function has not been clearly established as the mechanism of disease for this gene. The frequency of this variant in the general population, 0.00019 (3/15428 chromosomes in European (Non-Finnish) subpopulation (Genome Aggregation Database)), is higher than would generally be expected for pathogenic variants in this gene. Analysis of this variant using bioinformatics tools for the prediction of the effect of amino acid changes on protein structure and function yielded conflicting predictions that this variant is benign or damaging. Based on the available information, we are unable to determine the clinical significance of this variant.

Baylor Genetics
Classification: Uncertain significance for Colorectal cancer, susceptibility to, 1. Last evaluated: 2023-10-20. Review status: criteria provided, single submitter. Criteria: ACMG Guidelines, 2015. Collection method: clinical testing. Allele origin: unknown.

Literature cited by the submitters: PubMed 19617566 (cited by 3 submitters); PubMed 31548401 (cited by Quest Diagnostics Nichols Institute San Juan Capistrano).

NM_024642.5(GALNT12):c.1118G>A (p.Arg373His)

Gene: GALNT12 (polypeptide N-acetylgalactosaminyltransferase 12; plus strand). Cytogenetic location: 9q22.33.
Variant type: single nucleotide variant.
Coding change: c.1118G>A on transcript NM_024642.5 (MANE Select); coding-DNA position 1118, G replaced by A.
Protein change: p.Arg373His; replaces arginine 373 with histidine.
Molecular consequence: missense variant.
Genome position (GRCh38, 1-based): chr9:98,837,054, G>A. VCF-style: chr9-98837054-G-A. GRCh37 (hg19) VCF-style: chr9-101599336-G-A.
Other names: short protein forms R373H.
Identifiers: ClinVar variation 822212 (VCV000822212.15), dbSNP rs920049418, ClinGen allele CA196827563.
Genomic context (GRCh38, chr9:98,837,054, plus strand): 5'-TGGAAACACACCCATGTTCCCATGTTGGCCATGTTTTCCCCAAGCAAGCTCCCTACTCCC[G>A]CAACAAGGCTCTGGCCAACAGTGTTCGTGCAGCTGAAGTATGGATGGATGAATTTAAAGA-3'
Protein context (NP_078918.3, residues 363-383): HVFPKQAPYS[Arg373His]NKALANSVRA